The following is an entry in ClinVar:

ClinVar aggregate classification (germline): Likely benign. Review status: criteria provided, single submitter (1 of 4 stars). 2 submissions from 2 submitters: Likely benign (1). 1 of the submissions does not count toward it. Last evaluated 2025-01-20.

Conditions:
ERCC8-related disorder. Also called: ERCC8-related condition.

Allele frequency attached by ClinVar (database versions not stated): gnomAD exomes 0.00013; ExAC 0.00018; ESP Exome Variant Server 0.00054; gnomAD 0.00057 and 0.00058; TOPMed 0.00057; 1000 Genomes Project 0.00060; 1000 Genomes Project 30x 0.00062.
gnomAD v4.1: 141 of 1,612,936 alleles (0.0087%); highest among the groups gnomAD compares: African/African-American, 0.17%; no homozygotes.

Submissions (2):

Labcorp Genetics (formerly Invitae), Labcorp
Classification: Likely benign. Last evaluated: 2025-01-20. Review status: criteria provided, single submitter. Criteria: Invitae Variant Classification Sherloc (09022015). Collection method: clinical testing. Allele origin: germline.

PreventionGenetics, part of Exact Sciences
Classification: Likely benign for ERCC8-related condition. Last evaluated: 2019-07-10. Review status: no assertion criteria provided. Collection method: clinical testing. Allele origin: germline. Not counted in ClinVar's aggregate classification.
Comment: This variant is classified as likely benign based on ACMG/AMP sequence variant interpretation guidelines (Richards et al. 2015 PMID: 25741868, with internal and published modifications).

NM_000082.4(ERCC8):c.843+7G>A

Gene: ERCC8 (ERCC excision repair 8, CSA ubiquitin ligase complex subunit; minus strand). Cytogenetic location: 5q12.1.
Variant type: single nucleotide variant.
Coding change: c.843+7G>A on transcript NM_000082.4 (MANE Select); 7 bases into the intron after coding-DNA position 843, G replaced by A.
Molecular consequence: intron variant.
Genome position (GRCh38, 1-based): chr5:60,898,269, C>T on the plus strand (G>A on the coding strand, the complement: ERCC8 is on the minus strand). VCF-style: chr5-60898269-C-T. GRCh37 (hg19) VCF-style: chr5-60194096-C-T.
Other names: c.384+7G>A (NM_001290285.2); c.669+7G>A (NM_001007233.3).
Identifiers: ClinVar variation 704632 (VCV000704632.13), dbSNP rs148225528, ClinGen allele CA3277705.